The following is an entry in ClinVar:

ClinVar aggregate classification (germline): Uncertain significance (1 of 4 stars; one submission).

Conditions:
Autosomal dominant nonsyndromic hearing loss 65. Also called: Deafness, autosomal dominant 65; TBC1D24-Related Autosomal Dominant Nonsyndromic Hearing Loss (DFNA). Identifiers: Orphanet 90635, MedGen C3892048, MONDO:0014470, OMIM 616044.
Developmental and epileptic encephalopathy, 1 (DEE1). Also called: INFANTILE SPASM SYNDROME, X-LINKED 1; X-linked infantile spasms; West's syndrome; Tonic spasms with clustering, arrest of psychomotor development and hypsarrhythmia on EEG; X-Linked Infantile Spasm Syndrome; OHTAHARA SYNDROME, X-LINKED. Identifiers: MedGen C3463992, MONDO:0010632, OMIM 308350. Disease mechanism: loss of function.

Submission:

Labcorp Genetics (formerly Invitae), Labcorp
Classification: Uncertain significance for Developmental and epileptic encephalopathy, 1; Autosomal dominant nonsyndromic hearing loss 65. Last evaluated: 2023-11-21. Review status: criteria provided, single submitter. Criteria: Invitae Variant Classification Sherloc (09022015). Collection method: clinical testing. Allele origin: germline.
Comment: This sequence change replaces proline, which is neutral and non-polar, with alanine, which is neutral and non-polar, at codon 466 of the TBC1D24 protein (p.Pro466Ala). The frequency data for this variant in the population databases is considered unreliable, as metrics indicate poor data quality at this position in the gnomAD database. This variant has not been reported in the literature in individuals affected with TBC1D24-related conditions. Advanced modeling of protein sequence and biophysical properties (such as structural, functional, and spatial information, amino acid conservation, physicochemical variation, residue mobility, and thermodynamic stability) performed at Invitae indicates that this missense variant is not expected to disrupt TBC1D24 protein function with a negative predictive value of 95%. In summary, the available evidence is currently insufficient to determine the role of this variant in disease. Therefore, it has been classified as a Variant of Uncertain Significance.

NM_001199107.2(TBC1D24):c.1396C>G (p.Pro466Ala)

Gene: TBC1D24 (TBC1 domain family member 24; plus strand). Cytogenetic location: 16p13.3.
Variant type: single nucleotide variant.
Coding change: c.1396C>G on transcript NM_001199107.2 (MANE Select); coding-DNA position 1396, C replaced by G.
Protein change: p.Pro466Ala; replaces proline 466 with alanine.
Molecular consequence: missense variant.
Genome position (GRCh38, 1-based): chr16:2,500,361, C>G. VCF-style: chr16-2500361-C-G. GRCh37 (hg19) VCF-style: chr16-2550362-C-G.
Other names: c.1378C>G, p.Pro460Ala (NM_020705.3); short protein forms P460A, P466A.
Identifiers: ClinVar variation 2951440 (VCV002951440.3), dbSNP rs1413399353, ClinGen allele CA394380814.